The following is an entry in ClinVar:

NM_001009944.3(PKD1):c.8020C>T (p.Pro2674Ser)

Gene: PKD1 (polycystin 1, transient receptor potential channel interacting; minus strand). Cytogenetic location: 16p13.3.
Variant type: single nucleotide variant.
Coding change: c.8020C>T on transcript NM_001009944.3 (MANE Select); coding-DNA position 8020, C replaced by T.
Protein change: p.Pro2674Ser; replaces proline 2674 with serine.
Molecular consequence: missense variant.
Genome position (GRCh38, 1-based): chr16:2,104,639, G>A on the plus strand (C>T on the coding strand, the complement: PKD1 is on the minus strand). VCF-style: chr16-2104639-G-A. GRCh37 (hg19) VCF-style: chr16-2154640-G-A.
Other names: c.8020C>T, p.Pro2674Ser (NM_000296.4); short protein forms P2674S.
Identifiers: ClinVar variation 257009 (VCV000257009.53), dbSNP rs144557371, ClinGen allele CA7830747.

ClinVar aggregate classification (germline): Benign/Likely benign. Review status: criteria provided, multiple submitters, no conflicts (2 of 4 stars). 14 submissions from 14 submitters: Benign (4); Likely benign (5). 5 of the submissions do not count toward it. Last evaluated 2026-08-01.

Conditions:
Polycystic kidney disease, adult type (PKD1). Also called: POLYCYSTIC KIDNEY DISEASE, ADULT, TYPE I; Polycystic Kidney, Autosomal Dominant; Polycystic Kidney Disease 1, Autosomal Dominant; Polycystic kidney disease 1; Polycystic kidney disease 1, severe; POLYCYSTIC KIDNEY DISEASE 1 WITH OR WITHOUT POLYCYSTIC LIVER DISEASE. Identifiers: MedGen C3149841, MONDO:0008263, OMIM 173900.
Polycystic kidney disease. Also called: Kidney, Polycystic; Polycystic kidney dysplasia. Identifiers: MedGen C0022680, MeSH D007690, MONDO:0020642, HP:0000113.

Allele frequency attached by ClinVar (database versions not stated): 1000 Genomes Project 0.00300; 1000 Genomes Project 30x 0.00390; ESP Exome Variant Server 0.00579; TOPMed 0.00849; ExAC 0.00888; gnomAD exomes 0.00937 and 0.01370; gnomAD 0.01102 and 0.01150.
gnomAD v4.1: 20,160 of 1,514,628 alleles (1.3%); highest among the groups gnomAD compares: Non-Finnish European, 1.5%; 176 homozygotes.

Submissions (14):

CeGaT Center for Human Genetics Tuebingen
Classification: Likely benign. Last evaluated: 2026-08-01. Review status: criteria provided, single submitter. Criteria: CeGaT Center For Human Genetics Tuebingen Variant Classification Criteria Version 2. Collection method: clinical testing. Allele origin: germline. Affected: yes. Observed: 43 variant alleles.
Comment: PKD1: BP4

Women's Health and Genetics/Laboratory Corporation of America, LabCorp
Classification: Likely benign. Last evaluated: 2025-06-09. Review status: criteria provided, single submitter. Criteria: LabCorp Variant Classification Summary - May 2015. Collection method: clinical testing. Allele origin: germline.

Blueprint Genetics
Classification: Benign. Last evaluated: 2024-11-27. Review status: criteria provided, single submitter. Criteria: ACMG Guidelines, 2015. Collection method: clinical testing. Allele origin: germline.

Fulgent Genetics
Classification: Likely benign for Polycystic kidney disease, adult type. Last evaluated: 2021-10-01. Review status: criteria provided, single submitter. Criteria: ACMG Guidelines, 2015. Collection method: clinical testing. Allele origin: unknown.

ARUP Laboratories, Molecular Genetics and Genomics, ARUP Laboratories
Classification: Benign for Polycystic kidney disease, adult type. Last evaluated: 2020-04-04. Review status: criteria provided, single submitter. Criteria: ARUP Molecular Germline Variant Investigation Process. Collection method: clinical testing. Allele origin: germline.

GeneDx
Classification: Benign. Last evaluated: 2019-12-30. Review status: criteria provided, single submitter. Criteria: GeneDx Variant Classification Process June 2021. Collection method: clinical testing. Allele origin: germline. Affected: yes.
Comment: This variant is associated with the following publications: (PMID: 22008521, 17574468, 11115377, 32457805)

Athena Diagnostics
Classification: Benign. Last evaluated: 2019-03-18. Review status: criteria provided, single submitter. Criteria: Athena Diagnostics Criteria. Collection method: clinical testing. Allele origin: germline.

Breakthrough Genomics
Classification: Likely benign. Review status: criteria provided, single submitter. Criteria: ACMG Guidelines, 2015. Collection method: not provided. Allele origin: germline. Inheritance: Autosomal dominant inheritance. Affected: yes.

PreventionGenetics, part of Exact Sciences
Classification: Likely benign. Review status: criteria provided, single submitter. Criteria: ACMG Guidelines, 2015. Collection method: clinical testing. Allele origin: germline.

Genetic Services Laboratory, University of Chicago
Classification: Benign. Last evaluated: 2022-07-12. Review status: no assertion criteria provided. Collection method: clinical testing. Allele origin: germline. Affected: no. Not counted in ClinVar's aggregate classification.

Department of Pathology and Laboratory Medicine, Sinai Health System
Classification: Benign for Polycystic Kidney disease. Review status: no assertion criteria provided. Collection method: clinical testing. Allele origin: unknown. Affected: yes. Study: The Canadian Open Genetics Repository (COGR). Not counted in ClinVar's aggregate classification.
Comment: The PKD1 p.Pro2674Ser variant was identified in 11 of 586 proband chromosomes (frequency: 0.02) from individuals with Autosomal Dominant Polycystic Kidney Disease (Bataille 2011, Garcia-Gonzalez 2007, Rossetti 2001). The variant was identified in dbSNP (rs144557371) as â€šÃ„Ãºwith other alleleâ€šÃ„Ã¹, ClinVar (interpreted as likely benign by our laboratory and 1 other submitter; and as benign by ARUP Laboratories), LOVD 3.0 (observed 2x) and ADPKD Mutation Database (observed 1x). The variant was not identified in PKD1-LOVD. The variant was identified in control databases in 1570 of 151,230 chromosomes (10 homozygous) at a frequency of 0.01, increasing the likelihood this could be a low frequency benign variant (Genome Aggregation Database Feb 27, 2017). The variant was observed in the following populations: African in 26 of 13,758 chromosomes (freq: 0.002), Other in 52 of 4316 chromosomes (freq: 0.01), Latino in 155 of 24,266 chromosomes (freq: 0.006), European in 986 of 60,346 chromosomes (freq: 0.01), Ashkenazi Jewish in 58 of 7264 chromosomes (freq: 0.008), Finnish in 273 of 9002 chromosomes (freq: 0.03), and South Asian in 20 of 20,846 chromosomes (freq: 0.001); it was not observed in the East Asian population. In addition, we cannot be certain that data from control databases is specific to PKD1 and not from one of the six PKD1 pseudogenes. The p.Pro2674 residue is not conserved in mammals and computational analyses (PolyPhen-2, SIFT, AlignGVGD, BLOSUM, MutationTaster) do not suggest a high likelihood of impact to the protein; however, this information is not predictive enough to rule out pathogenicity. The variant occurs outside of the splicing consensus sequence and in silico or computational prediction software programs (SpliceSiteFinder, MaxEntScan, NNSPLICE, GeneSplicer) do not predict a difference in splicing. In summary, based on the above information, this variant meets our laboratory criteria to be classified as benign.

Genome Diagnostics Laboratory, University Medical Center Utrecht
Classification: Benign. Review status: no assertion criteria provided. Collection method: clinical testing. Allele origin: germline. Affected: yes. Study: VKGL Data-share Consensus. Not counted in ClinVar's aggregate classification.

Joint Genome Diagnostic Labs from Nijmegen and Maastricht, Radboudumc and MUMC+
Classification: Benign. Review status: no assertion criteria provided. Collection method: clinical testing. Allele origin: germline. Affected: yes. Study: VKGL Data-share Consensus. Not counted in ClinVar's aggregate classification.

Laboratory of Diagnostic Genome Analysis, Leiden University Medical Center (LUMC)
Classification: Likely benign. Review status: no assertion criteria provided. Collection method: clinical testing. Allele origin: germline. Affected: yes. Study: VKGL Data-share Consensus. Not counted in ClinVar's aggregate classification.

Literature cited by the submitters: PubMed 11115377 (cited by Athena Diagnostics); PubMed 22008521 (cited by Athena Diagnostics).